The following is an entry in ClinVar:

ClinVar aggregate classification (germline): Likely benign. Review status: criteria provided, multiple submitters, no conflicts (2 of 4 stars). 6 submissions from 6 submitters: Likely benign (6). Last evaluated 2026-02-03.

Allele frequency attached by ClinVar (database versions not stated): gnomAD exomes 0.00021; ExAC 0.00024; gnomAD 0.00034 and 0.00038; TOPMed 0.00035.
gnomAD v4.1: 221 of 1,611,062 alleles (0.014%); highest among the groups gnomAD compares: African/African-American, 0.075%; no homozygotes.

Submissions (6):

Labcorp Genetics (formerly Invitae), Labcorp
Classification: Likely benign. Last evaluated: 2026-02-03. Review status: criteria provided, single submitter. Criteria: Invitae Variant Classification Sherloc (09022015). Collection method: clinical testing. Allele origin: germline.

Blueprint Genetics
Classification: Likely benign. Last evaluated: 2024-11-11. Review status: criteria provided, single submitter. Criteria: ACMG Guidelines, 2015. Collection method: clinical testing. Allele origin: germline.

Women's Health and Genetics/Laboratory Corporation of America, LabCorp
Classification: Likely benign. Last evaluated: 2024-02-06. Review status: criteria provided, single submitter. Criteria: LabCorp Variant Classification Summary - May 2015. Collection method: clinical testing. Allele origin: germline.

GeneDx
Classification: Likely benign. Last evaluated: 2021-03-07. Review status: criteria provided, single submitter. Criteria: GeneDx Variant Classification Process June 2021. Collection method: clinical testing. Allele origin: germline. Affected: yes.

Laboratory for Molecular Medicine, Mass General Brigham Personalized Medicine
Classification: Likely benign. Last evaluated: 2015-02-27. Review status: criteria provided, single submitter. Criteria: LMM Criteria. Collection method: clinical testing. Allele origin: germline. Observed: 2 variant alleles.
Comment: p.Gly688Gly in exon 25 of COL11A2: This variant is not expected to have clinical significance because it does not alter an amino acid residue, and it is not loc ated within the splice consensus sequence. It has been identified in 16/51320 E uropean chromosomes and 4/7254 African chromosomes by the Exome Aggregation Cons ortium (ExAC; dbSNP rs148092088).

Breakthrough Genomics
Classification: Likely benign. Review status: criteria provided, single submitter. Criteria: ACMG Guidelines, 2015. Collection method: not provided. Allele origin: germline. Inheritance: Autosomal recessive inheritance. Affected: yes.

NM_080680.3(COL11A2):c.2064A>G (p.Gly688=)

Gene: COL11A2 (collagen type XI alpha 2 chain; minus strand). Cytogenetic location: 6p21.32.
Variant type: single nucleotide variant.
Coding change: c.2064A>G on transcript NM_080680.3 (MANE Select); coding-DNA position 2064, A replaced by G.
Protein change: p.Gly688=; no amino-acid change (glycine 688 retained).
Molecular consequence: synonymous variant.
Genome position (GRCh38, 1-based): chr6:33,176,998, T>C on the plus strand (A>G on the coding strand, the complement: COL11A2 is on the minus strand). VCF-style: chr6-33176998-T-C. GRCh37 (hg19) VCF-style: chr6-33144775-T-C.
Other names: c.1743A>G, p.Gly581= (NM_080679.3); c.1806A>G, p.Gly602= (NM_080681.3).
Identifiers: ClinVar variation 227264 (VCV000227264.16), dbSNP rs753871660, ClinGen allele CA3751064.